The following is an entry in ClinVar:

NM_024741.3(ZNF408):c.392G>C (p.Ser131Thr)

Gene: ZNF408 (zinc finger protein 408; plus strand). Cytogenetic location: 11p11.2.
Variant type: single nucleotide variant.
Coding change: c.392G>C on transcript NM_024741.3 (MANE Select); coding-DNA position 392, G replaced by C.
Protein change: p.Ser131Thr; replaces serine 131 with threonine.
Molecular consequence: missense variant.
Genome position (GRCh38, 1-based): chr11:46,702,765, G>C. VCF-style: chr11-46702765-G-C. GRCh37 (hg19) VCF-style: chr11-46724315-G-C.
Other names: c.368G>C, p.Ser123Thr (NM_001184751.2); short protein forms S123T, S131T.
Identifiers: ClinVar variation 1695654 (VCV001695654.2), dbSNP rs765344131, ClinGen allele CA5966328.
Genomic context (GRCh38, chr11:46,702,765, plus strand): 5'-ACCTGTCATTAGGCCCATGGGGAGACGTGTGTGCCTGTGAGCAGAGTTCTGGCTGGACTA[G>C]GTAAGTCAGAGGAGAGTGTGTCGTTCCTTTGAGGTTTTCTGTTGTGGTTTGGGATGGAAC-3'
Protein context (NP_079017.1, residues 121-141): CACEQSSGWT[Ser131Thr]LVQRGRLESE

ClinVar aggregate classification (germline): Uncertain significance (1 of 4 stars; one submission).

Allele frequency attached by ClinVar (database versions not stated): ExAC 0.00001; gnomAD 0.00001; gnomAD exomes 0.00001 and 0.00002; TOPMed 0.00001.
gnomAD v4.1: 25 of 1,614,046 alleles (0.0015%); highest among the groups gnomAD compares: Non-Finnish European, 0.0019%; no homozygotes.

Submission:

GeneDx
Classification: Uncertain significance. Last evaluated: 2022-01-07. Review status: criteria provided, single submitter. Criteria: GeneDx Variant Classification Process June 2021. Collection method: clinical testing. Allele origin: germline. Affected: yes.
Comment: Not observed at significant frequency in large population cohorts (gnomAD); In silico analysis supports that this missense variant does not alter protein structure/function; Has not been previously published as pathogenic or benign to our knowledge